The following is an entry in ClinVar:

ClinVar aggregate classification (germline): Uncertain significance (1 of 4 stars; one submission).

Conditions:
Wilms tumor 1 (WT1). Also called: Wilms tumor, somatic. Identifiers: Orphanet 654, MedGen CN033288, MONDO:0008679, OMIM 194070.

Allele frequency attached by ClinVar (database versions not stated): gnomAD exomes below 0.00001.
gnomAD v4.1: 1 of 1,206,478 alleles (0.000083%); highest among the groups gnomAD compares: Non-Finnish European, 0.00011%; no homozygotes.

Submission:

Labcorp Genetics (formerly Invitae), Labcorp
Classification: Uncertain significance for Wilms tumor 1. Last evaluated: 2023-10-14. Review status: criteria provided, single submitter. Criteria: Invitae Variant Classification Sherloc (09022015). Collection method: clinical testing. Allele origin: germline.
Comment: This sequence change replaces leucine, which is neutral and non-polar, with valine, which is neutral and non-polar, at codon 154 of the GPC3 protein (p.Leu154Val). This variant is not present in population databases (gnomAD no frequency). This variant has not been reported in the literature in individuals affected with GPC3-related conditions. ClinVar contains an entry for this variant (Variation ID: 2178569). Advanced modeling of protein sequence and biophysical properties (such as structural, functional, and spatial information, amino acid conservation, physicochemical variation, residue mobility, and thermodynamic stability) performed at Invitae indicates that this missense variant is expected to disrupt GPC3 protein function. In summary, the available evidence is currently insufficient to determine the role of this variant in disease. Therefore, it has been classified as a Variant of Uncertain Significance.

NM_004484.4(GPC3):c.460C>G (p.Leu154Val)

Gene: GPC3 (glypican 3; minus strand). Cytogenetic location: Xq26.2.
Variant type: single nucleotide variant.
Coding change: c.460C>G on transcript NM_004484.4 (MANE Select); coding-DNA position 460, C replaced by G.
Protein change: p.Leu154Val; replaces leucine 154 with valine.
Molecular consequence: missense variant.
Genome position (GRCh38, 1-based): chrX:133,754,054, G>C on the plus strand (C>G on the coding strand, the complement: GPC3 is on the minus strand). VCF-style: chrX-133754054-G-C. GRCh37 (hg19) VCF-style: chrX-132888081-G-C.
Other names: c.460C>G, p.Leu154Val (NM_001164617.2); c.412C>G, p.Leu138Val (NM_001164618.2); c.298C>G, p.Leu100Val (NM_001164619.2); short protein forms L138V, L154V, L100V.
Identifiers: ClinVar variation 2178569 (VCV002178569.4), dbSNP rs2521358055, ClinGen allele CA414706582.